The following is an entry in ClinVar:

ClinVar aggregate classification (germline): Pathogenic. Review status: criteria provided, multiple submitters, no conflicts (2 of 4 stars). 3 submissions from 3 submitters: Pathogenic (2). 1 of the submissions does not count toward it. Last evaluated 2023-10-17.

Conditions:
Niemann-Pick disease, type C1. Also called: NEUROVISCERAL STORAGE DISEASE WITH VERTICAL SUPRANUCLEAR OPHTHALMOPLEGIA; NIEMANN-PICK DISEASE WITH CHOLESTEROL ESTERIFICATION BLOCK; NIEMANN-PICK DISEASE WITHOUT SPHINGOMYELINASE DEFICIENCY; NIEMANN-PICK DISEASE, CHRONIC NEURONOPATHIC FORM; NIEMANN-PICK DISEASE, VARIANT TYPE C1. Identifiers: Orphanet 646, MedGen C3179455, MONDO:0009757, OMIM 257220.

Allele frequency attached by ClinVar (database versions not stated): gnomAD exomes below 0.00001; TOPMed 0.00001; ESP Exome Variant Server 0.00008.
gnomAD v4.1: 2 of 1,613,686 alleles (0.00012%); highest among the groups gnomAD compares: Non-Finnish European, 0.00017%; no homozygotes.

Submissions (3):

Labcorp Genetics (formerly Invitae), Labcorp
Classification: Pathogenic for Niemann-Pick disease, type C1. Last evaluated: 2023-10-17. Review status: criteria provided, single submitter. Criteria: Invitae Variant Classification Sherloc (09022015). Collection method: clinical testing. Allele origin: germline.
Comment: This sequence change replaces glutamic acid, which is acidic and polar, with lysine, which is basic and polar, at codon 1089 of the NPC1 protein (p.Glu1089Lys). This variant is present in population databases (rs374526072, gnomAD 0.0009%). This missense change has been observed in individual(s) with Niemann-Pick disease type C (PMID: 11349231, 28105569, 29971198). ClinVar contains an entry for this variant (Variation ID: 181458). Advanced modeling of protein sequence and biophysical properties (such as structural, functional, and spatial information, amino acid conservation, physicochemical variation, residue mobility, and thermodynamic stability) performed at Invitae indicates that this missense variant is expected to disrupt NPC1 protein function. For these reasons, this variant has been classified as Pathogenic.

Undiagnosed Diseases Network, NIH
Classification: Pathogenic for Niemann-Pick disease, type C1. Last evaluated: 2018-12-31. Review status: criteria provided, single submitter. Criteria: ACMG Guidelines, 2015. Collection method: clinical testing. Allele origin: unknown. Inheritance: Autosomal recessive inheritance. Affected: yes. Observed: 1 variant allele, 1 heterozygote. Study: Undiagnosed Diseases Network (NIH), UDN.

Counsyl
Classification: Uncertain significance for Niemann-Pick disease, type C1. Last evaluated: 2017-12-27. Review status: no assertion criteria provided. Collection method: clinical testing. Allele origin: unknown. Not counted in ClinVar's aggregate classification.

Literature cited by the submitters: PubMed 11349231 (cited by Labcorp Genetics (formerly Invitae), Labcorp and Counsyl); PubMed 28105569 (cited by Labcorp Genetics (formerly Invitae), Labcorp and Counsyl); PubMed 29971198 (cited by Labcorp Genetics (formerly Invitae), Labcorp).

NM_000271.5(NPC1):c.3265G>A (p.Glu1089Lys)

Gene: NPC1 (NPC intracellular cholesterol transporter 1; minus strand). Cytogenetic location: 18q11.2.
Variant type: single nucleotide variant.
Coding change: c.3265G>A on transcript NM_000271.5 (MANE Select); coding-DNA position 3265, G replaced by A.
Protein change: p.Glu1089Lys; replaces glutamic acid 1089 with lysine.
Molecular consequence: missense variant.
Genome position (GRCh38, 1-based): chr18:23,535,681, C>T on the plus strand (G>A on the coding strand, the complement: NPC1 is on the minus strand). VCF-style: chr18-23535681-C-T. GRCh37 (hg19) VCF-style: chr18-21115645-C-T.
Other names: p.E1089K; short protein forms E1089K.
Identifiers: ClinVar variation 181458 (VCV000181458.12), dbSNP rs374526072, ClinGen allele CA297015.
Genomic context (GRCh38, chr18:23,535,681, plus strand): 5'-TCGCGCCCAGGGACACACCGAGGTTGAAGATAGTGTCGTCAATGATGGTCAGGTACTGTT[C>T]GTAGAAGACATAAAACACACTGGAGGGGAGAGGGGAGGCCTCATTAAAGCTCGCTCTCAC-3'
Protein context (NP_000262.2, residues 1079-1099): FPYSVFYVFY[Glu1089Lys]QYLTIIDDTI